The following is an entry in ClinVar:

ClinVar aggregate classification (germline): Uncertain significance (1 of 4 stars; one submission).

Conditions:
RASopathy. Also called: rasopathies; Noonan spectrum disorder. Identifiers: Orphanet 536391, MedGen C5555857, MONDO:0021060.

Submission:

Labcorp Genetics (formerly Invitae), Labcorp
Classification: Uncertain significance for RASopathy. Last evaluated: 2025-11-20. Review status: criteria provided, single submitter. Criteria: Invitae Variant Classification Sherloc (09022015). Collection method: clinical testing. Allele origin: germline.
Comment: This sequence change replaces glycine, which is neutral and non-polar, with arginine, which is basic and polar, at codon 434 of the PTPN11 protein (p.Gly434Arg). This variant is not present in population databases (gnomAD no frequency). This variant has not been reported in the literature in individuals affected with PTPN11-related conditions. Invitae Evidence Modeling of protein sequence and biophysical properties (such as structural, functional, and spatial information, amino acid conservation, physicochemical variation, residue mobility, and thermodynamic stability) has been performed for this missense variant. However, the output from this modeling did not meet the statistical confidence thresholds required to predict the impact of this variant on PTPN11 protein function. In summary, the available evidence is currently insufficient to determine the role of this variant in disease. Therefore, it has been classified as a Variant of Uncertain Significance.

NM_002834.5(PTPN11):c.1300G>C (p.Gly434Arg)

Gene: PTPN11 (protein tyrosine phosphatase non-receptor type 11; plus strand). Cytogenetic location: 12q24.13.
Variant type: single nucleotide variant.
Coding change: c.1300G>C on transcript NM_002834.5 (MANE Select); coding-DNA position 1300, G replaced by C.
Protein change: p.Gly434Arg; replaces glycine 434 with arginine.
Molecular consequence: missense variant.
Genome position (GRCh38, 1-based): chr12:112,486,550, G>C. VCF-style: chr12-112486550-G-C. GRCh37 (hg19) VCF-style: chr12-112924354-G-C.
Other names: c.1312G>C, p.Gly438Arg (NM_001330437.2); c.1297G>C, p.Gly433Arg (NM_001374625.1); c.1300G>C, p.Gly434Arg (NM_080601.3); short protein forms G433R, G434R, G438R.
Identifiers: ClinVar variation 4803095 (VCV004803095.1).